The following is an entry in ClinVar:

ClinVar aggregate classification (germline): Uncertain significance (1 of 4 stars; one submission).

Conditions:
PLS1-related disorder. Also called: PLS1-related condition.

Submission:

PreventionGenetics, part of Exact Sciences
Classification: Uncertain significance for PLS1-related condition. Last evaluated: 2024-11-05. Review status: criteria provided, single submitter. Criteria: ACMG Guidelines, 2015. Collection method: clinical testing. Allele origin: germline.
Comment: The PLS1 c.712C>G variant is predicted to result in the amino acid substitution p.Leu238Val. To our knowledge, this variant has not been reported in the literature or in a large population database (gnomAD), indicating this variant is rare. An alternative variant at the same codon (p.Leu238Arg) was reported to segregate with non-syndromic hearing loss in one family (Morgan et al. 2019. PubMed ID: 31397523). At this time, the clinical significance of the p.Leu238Val variant is uncertain due to the absence of conclusive functional and genetic evidence.

NM_001145319.2(PLS1):c.712C>G (p.Leu238Val)

Gene: PLS1 (plastin 1; plus strand). Cytogenetic location: 3q23.
Variant type: single nucleotide variant.
Coding change: c.712C>G on transcript NM_001145319.2 (MANE Select); coding-DNA position 712, C replaced by G.
Protein change: p.Leu238Val; replaces leucine 238 with valine.
Molecular consequence: missense variant.
Genome position (GRCh38, 1-based): chr3:142,684,138, C>G. VCF-style: chr3-142684138-C-G. GRCh37 (hg19) VCF-style: chr3-142402980-C-G.
Other names: c.712C>G, p.Leu238Val (NM_001172312.2, NM_002670.3); short protein forms L238V.
Identifiers: ClinVar variation 5001590 (VCV005001590.1).
Genomic context (GRCh38, chr3:142,684,138, plus strand): 5'-CTCAAAGAAGGAAAACCTCACTTGGTCTTGGGACTTCTCTGGCAGATCATCAAAGTTGGC[C>G]TTTTTGCTGATATTGAGATTTCCAGGAATGAAGGTAAGATCATTAGAAATATTTGCTGTT-3'
Protein context (NP_001138791.1, residues 228-248): GLLWQIIKVG[Leu238Val]FADIEISRNE